The following is an entry in ClinVar:

NM_006206.6(PDGFRA):c.2599A>G (p.Ile867Val)

Gene: PDGFRA (platelet derived growth factor receptor alpha; plus strand). Cytogenetic location: 4q12.
Variant type: single nucleotide variant.
Coding change: c.2599A>G on transcript NM_006206.6 (MANE Select); coding-DNA position 2599, A replaced by G.
Protein change: p.Ile867Val; replaces isoleucine 867 with valine.
Molecular consequence: missense variant.
Genome position (GRCh38, 1-based): chr4:54,287,466, A>G. VCF-style: chr4-54287466-A-G. GRCh37 (hg19) VCF-style: chr4-55153633-A-G.
Other names: c.2674A>G, p.Ile892Val (NM_001347828.2); c.2599A>G, p.Ile867Val (NM_001347829.2); c.2638A>G, p.Ile880Val (NM_001347830.2); short protein forms I867V, I880V, I892V.
Identifiers: ClinVar variation 1793597 (VCV001793597.2), dbSNP rs2110341343, ClinGen allele CA356895209.

ClinVar aggregate classification (germline): Uncertain significance (1 of 4 stars; one submission).

Conditions:
Hereditary cancer-predisposing syndrome. Also called: Tumor predisposition; Hereditary Cancer Syndrome; Neoplastic Syndromes, Hereditary; Hereditary neoplastic syndrome. Identifiers: Orphanet 140162, MedGen C0027672, MeSH D009386, MONDO:0015356.

Submission:

Ambry Genetics
Classification: Uncertain significance for Hereditary cancer-predisposing syndrome. Last evaluated: 2021-07-19. Review status: criteria provided, single submitter. Criteria: Ambry Variant Classification Scheme 2023. Collection method: clinical testing. Allele origin: germline.
Comment: The p.I867V variant (also known as c.2599A>G), located in coding exon 18 of the PDGFRA gene, results from an A to G substitution at nucleotide position 2599. The isoleucine at codon 867 is replaced by valine, an amino acid with highly similar properties. This amino acid position is conserved. In addition, the in silico prediction for this alteration is inconclusive. Since supporting evidence is limited at this time, the clinical significance of this alteration remains unclear.